The following is an entry in ClinVar:

NM_000492.4(CFTR):c.4323C>G (p.Ile1441Met)

Genes: CFTR (CF transmembrane conductance regulator; plus strand), LOC111674477 (CFTR intron 23 enhancer; plus strand). Cytogenetic location: 7q31.2.
Variant type: single nucleotide variant.
Coding change: c.4323C>G on transcript NM_000492.4 (MANE Select); coding-DNA position 4323, C replaced by G.
Protein change: p.Ile1441Met; replaces isoleucine 1441 with methionine.
Molecular consequence: missense variant.
Genome position (GRCh38, 1-based): chr7:117,666,988, C>G. VCF-style: chr7-117666988-C-G. GRCh37 (hg19) VCF-style: chr7-117307042-C-G.
Other names: short protein forms I1441M.
Identifiers: ClinVar variation 1739715 (VCV001739715.2), dbSNP rs868159240, ClinGen allele CA368984846.

ClinVar aggregate classification (germline): Uncertain significance (1 of 4 stars; one submission).

Conditions:
Cystic fibrosis (CF). Also called: MUCOVISCIDOSIS. Identifiers: Orphanet 586, MedGen C0010674, MONDO:0009061, OMIM 219700. Disease mechanism: loss of function.

Submission:

Ambry Genetics
Classification: Uncertain significance for Cystic fibrosis. Last evaluated: 2022-03-25. Review status: criteria provided, single submitter. Criteria: Ambry Variant Classification Scheme 2023. Collection method: clinical testing. Allele origin: germline.
Comment: The p.I1441M variant (also known as c.4323C>G), located in coding exon 27 of the CFTR gene, results from a C to G substitution at nucleotide position 4323. The isoleucine at codon 1441 is replaced by methionine, an amino acid with highly similar properties. This amino acid position is conserved. In addition, this alteration is predicted to be tolerated by in silico analysis. Since supporting evidence is limited at this time, the clinical significance of this alteration remains unclear.